The following is an entry in ClinVar:

ClinVar aggregate classification (germline): Uncertain significance (1 of 4 stars; one submission).

Conditions:
Bethlem myopathy 1A. Also called: Bethlem myopathy 1; Bethlem Muscular Dystrophy; MYOPATHY, BENIGN CONGENITAL, WITH CONTRACTURES. Identifiers: Orphanet 610, MedGen CN029274, MONDO:0024530, OMIM 158810.

Allele frequency attached by ClinVar (database versions not stated): ExAC 0.00001; TOPMed below 0.00001.
gnomAD v4.1: 10 of 1,612,734 alleles (0.00062%); highest among the groups gnomAD compares: Non-Finnish European, 0.00085%; no homozygotes.

Submission:

Labcorp Genetics (formerly Invitae), Labcorp
Classification: Uncertain significance for Bethlem myopathy 1A. Last evaluated: 2023-06-17. Review status: criteria provided, single submitter. Criteria: Invitae Variant Classification Sherloc (09022015). Collection method: clinical testing. Allele origin: germline.
Comment: This variant is present in population databases (rs756315481, gnomAD 0.0009%). In summary, the available evidence is currently insufficient to determine the role of this variant in disease. Therefore, it has been classified as a Variant of Uncertain Significance. Advanced modeling of protein sequence and biophysical properties (such as structural, functional, and spatial information, amino acid conservation, physicochemical variation, residue mobility, and thermodynamic stability) performed at Invitae indicates that this missense variant is not expected to disrupt COL6A2 protein function. ClinVar contains an entry for this variant (Variation ID: 1368887). This variant has not been reported in the literature in individuals affected with COL6A2-related conditions. This sequence change replaces proline, which is neutral and non-polar, with alanine, which is neutral and non-polar, at codon 513 of the COL6A2 protein (p.Pro513Ala).

NM_001849.4(COL6A2):c.1537C>G (p.Pro513Ala)

Gene: COL6A2 (collagen type VI alpha 2 chain; plus strand). Cytogenetic location: 21q22.3.
Variant type: single nucleotide variant.
Coding change: c.1537C>G on transcript NM_001849.4 (MANE Select); coding-DNA position 1537, C replaced by G.
Protein change: p.Pro513Ala; replaces proline 513 with alanine.
Molecular consequence: missense variant.
Genome position (GRCh38, 1-based): chr21:46,122,123, C>G. VCF-style: chr21-46122123-C-G. GRCh37 (hg19) VCF-style: chr21-47542037-C-G.
Other names: c.1537C>G, p.Pro513Ala (NM_058174.3, NM_058175.3); short protein forms P513A.
Identifiers: ClinVar variation 1368887 (VCV001368887.6), dbSNP rs756315481, ClinGen allele CA10071970.